The following is an entry in ClinVar:

NM_001135146.2(SLC39A8):c.1267G>C (p.Val423Leu)

Gene: SLC39A8 (solute carrier family 39 member 8; minus strand). Cytogenetic location: 4q24.
Variant type: single nucleotide variant.
Coding change: c.1267G>C on transcript NM_001135146.2 (MANE Select); coding-DNA position 1267, G replaced by C.
Protein change: p.Val423Leu; replaces valine 423 with leucine.
Molecular consequence: missense variant. On other transcripts: splice donor variant (1).
Genome position (GRCh38, 1-based): chr4:102,263,160, C>G on the plus strand (G>C on the coding strand, the complement: SLC39A8 is on the minus strand). VCF-style: chr4-102263160-C-G. GRCh37 (hg19) VCF-style: chr4-103184317-C-G.
Other names: NC_000004.11:g.103184317C>G; c.1066G>C, p.Val356Leu (NM_001135148.2); c.1267G>C, p.Val423Leu (NM_022154.5); c.1266+1G>C (NM_001135147.1); short protein forms V356L, V423L.
Identifiers: ClinVar variation 4300946 (VCV004300946.4).

ClinVar aggregate classification (germline): Uncertain significance. Review status: criteria provided, multiple submitters, no conflicts (2 of 4 stars). 2 submissions from 2 submitters: Uncertain significance (2). Last evaluated 2025-06-16.

gnomAD v4.1: 205 of 1,613,696 alleles (0.013%); highest among the groups gnomAD compares: Middle Eastern, 0.049%; no homozygotes.

Submissions (3):

Dasa
Classification: Uncertain significance. Last evaluated: 2025-06-16. Review status: criteria provided, single submitter. Criteria: DASA Assertion Criteria. Collection method: clinical testing. Allele origin: germline.
Comment: NM_001135147.1(SLC39A8):c.1266+1G>C affects a canonical splice site and is predicted to disrupt normal RNA splicing. This variant is rare in population databases. The currently available literature and clinical evidence are not sufficient to establish a definitive association between this variant and the reported condition. Therefore, this variant is classified as a variant of uncertain significance.

Blueprint Genetics
Classification: Uncertain significance. Last evaluated: 2024-10-01. Review status: criteria provided, single submitter. Criteria: ACMG Guidelines, 2015. Collection method: clinical testing. Allele origin: germline.

Dr. Peter K. Rogan Lab, Western University
No classification provided (evidence only). Condition: Malignant tumor of urinary bladder. Review status: no classification provided. Collection method: in vitro. Allele origin: not applicable. Functional consequence: retained intron. Not counted in ClinVar's aggregate classification.